The following is an entry in ClinVar:

ClinVar aggregate classification (germline): Uncertain significance (1 of 4 stars; one submission).

Conditions:
Mast syndrome. Also called: SPASTIC PARAPLEGIA 21, AUTOSOMAL RECESSIVE. Identifiers: Orphanet 101001, MedGen C1855346, MONDO:0009568, OMIM 248900.

gnomAD v4.1: 1 of 1,614,210 alleles (0.000062%); highest among the groups gnomAD compares: Non-Finnish European, 0.000085%; no homozygotes.

Submission:

Labcorp Genetics (formerly Invitae), Labcorp
Classification: Uncertain significance for Mast syndrome. Last evaluated: 2022-06-08. Review status: criteria provided, single submitter. Criteria: Invitae Variant Classification Sherloc (09022015). Collection method: clinical testing. Allele origin: germline.
Comment: In summary, the available evidence is currently insufficient to determine the role of this variant in disease. Therefore, it has been classified as a Variant of Uncertain Significance. Variants that disrupt the consensus splice site are a relatively common cause of aberrant splicing (PMID: 17576681, 9536098). Algorithms developed to predict the effect of sequence changes on RNA splicing suggest that this variant is not likely to affect RNA splicing. This variant has not been reported in the literature in individuals affected with SPG21-related conditions. This variant is not present in population databases (gnomAD no frequency). This sequence change falls in intron 8 of the SPG21 gene. It does not directly change the encoded amino acid sequence of the SPG21 protein. It affects a nucleotide within the consensus splice site.

Literature cited by the submitters: PubMed 17576681; PubMed 9536098.

NM_016630.7(SPG21):c.810+4A>C

Gene: SPG21 (SPG21 abhydrolase domain containing, maspardin; minus strand). Cytogenetic location: 15q22.31.
Variant type: single nucleotide variant.
Coding change: c.810+4A>C on transcript NM_016630.7 (MANE Select); 4 bases into the intron after coding-DNA position 810, A replaced by C.
Molecular consequence: intron variant.
Genome position (GRCh38, 1-based): chr15:64,965,316, T>G on the plus strand (A>C on the coding strand, the complement: SPG21 is on the minus strand). VCF-style: chr15-64965316-T-G. GRCh37 (hg19) VCF-style: chr15-65257657-T-G.
Other names: c.729+4A>C (NM_001127890.5); c.810+4A>C (NM_001127889.5).
Identifiers: ClinVar variation 1925006 (VCV001925006.5), dbSNP rs2506086257, ClinGen allele CA2580089857.